The following is an entry in ClinVar:

ClinVar aggregate classification (germline): Uncertain significance (1 of 4 stars; one submission).

Conditions:
Hereditary cancer-predisposing syndrome. Also called: Neoplastic Syndromes, Hereditary; Tumor predisposition; Hereditary Cancer Syndrome; Hereditary neoplastic syndrome. Identifiers: Orphanet 140162, MedGen C0027672, MeSH D009386, MONDO:0015356.

Submission:

Ambry Genetics
Classification: Uncertain significance for Hereditary cancer-predisposing syndrome. Last evaluated: 2020-06-12. Review status: criteria provided, single submitter. Criteria: Ambry Variant Classification Scheme 2023. Collection method: clinical testing. Allele origin: germline.
Comment: The p.W302G variant (also known as c.904T>G), located in coding exon 8 of the BMPR1A gene, results from a T to G substitution at nucleotide position 904. The tryptophan at codon 302 is replaced by glycine, an amino acid with highly dissimilar properties. This amino acid position is well conserved in available vertebrate species. In addition, the in silico prediction for this alteration is inconclusive. Since supporting evidence is limited at this time, the clinical significance of this alteration remains unclear.

NM_004329.3(BMPR1A):c.904T>G (p.Trp302Gly)

Gene: BMPR1A (bone morphogenetic protein receptor type 1A; plus strand). Cytogenetic location: 10q23.2.
Variant type: single nucleotide variant.
Coding change: c.904T>G on transcript NM_004329.3 (MANE Select); coding-DNA position 904, T replaced by G.
Protein change: p.Trp302Gly; replaces tryptophan 302 with glycine.
Molecular consequence: missense variant.
Genome position (GRCh38, 1-based): chr10:86,919,207, T>G. VCF-style: chr10-86919207-T-G. GRCh37 (hg19) VCF-style: chr10-88678964-T-G.
Other names: c.979T>G, p.Trp327Gly (NM_001406559.1); c.952T>G, p.Trp318Gly (NM_001406560.1); c.904T>G, p.Trp302Gly (NM_001406561.1, NM_001406562.1, NM_001406563.1 and 19 more transcripts); c.898T>G, p.Trp300Gly (NM_001406583.1); c.820T>G, p.Trp274Gly (NM_001406584.1, NM_001406585.1, NM_001406586.1 and 2 more transcripts); c.562T>G, p.Trp188Gly (NM_001406589.1); short protein forms W318G, W327G, W188G, W274G, W300G, W302G.
Identifiers: ClinVar variation 1765603 (VCV001765603.2), dbSNP rs2539617898, ClinGen allele CA377459963.